The following is an entry in ClinVar:

ClinVar aggregate classification (germline): Benign/Likely benign. Review status: criteria provided, multiple submitters, no conflicts (2 of 4 stars). 4 submissions from 4 submitters: Benign (1); Likely benign (3). Last evaluated 2025-08-13.

Conditions:
Hereditary cancer-predisposing syndrome. Also called: Tumor predisposition; Neoplastic Syndromes, Hereditary; Hereditary Cancer Syndrome; Hereditary neoplastic syndrome. Identifiers: Orphanet 140162, MedGen C0027672, MeSH D009386, MONDO:0015356.
Familial cancer of breast. Also called: Hereditary breast cancer; BREAST CANCER, FAMILIAL; hereditary breast carcinoma. Identifiers: Orphanet 227535, MedGen C0346153, MONDO:0016419, OMIM 114480. Disease mechanism: loss of function.
Ataxia-telangiectasia syndrome (AT). Also called: Ataxia-telangiectasia; Cerebello-oculocutaneous telangiectasia; Immunodeficiency with ataxia telangiectasia; ATAXIA-TELANGIECTASIA, COMPLEMENTATION GROUP A; ATAXIA-TELANGIECTASIA, FRESNO VARIANT; Ataxia-telangiectasia, complementation group D. Identifiers: Orphanet 100, MedGen C0004135, MONDO:0008840, OMIM 208900.

Allele frequency attached by ClinVar (database versions not stated): gnomAD 0.00001; gnomAD exomes 0.00001 and 0.00002; ExAC 0.00002.

Submissions (4):

Labcorp Genetics (formerly Invitae), Labcorp
Classification: Likely benign for Ataxia-telangiectasia syndrome. Last evaluated: 2025-08-13. Review status: criteria provided, single submitter. Criteria: Invitae Variant Classification Sherloc (09022015). Collection method: clinical testing. Allele origin: germline.

Myriad Genetics, Inc.
Classification: Benign for Familial cancer of breast. Last evaluated: 2024-05-23. Review status: criteria provided, single submitter. Criteria: Myriad Autosomal Dominant, Autosomal Recessive and X-Linked Classification Criteria (2023). Collection method: clinical testing. Allele origin: unknown.
Comment: This variant is considered benign. This variant is a silent/synonymous amino acid change and it is not expected to impact splicing.

Ambry Genetics
Classification: Likely benign for Hereditary cancer-predisposing syndrome. Last evaluated: 2020-04-19. Review status: criteria provided, single submitter. Criteria: Ambry Variant Classification Scheme 2023. Collection method: clinical testing. Allele origin: germline.

Color Diagnostics, LLC DBA Color Health
Classification: Likely benign for Hereditary cancer-predisposing syndrome. Last evaluated: 2018-03-23. Review status: criteria provided, single submitter. Criteria: ACMG Guidelines, 2015. Collection method: clinical testing. Allele origin: germline.

NM_000051.4(ATM):c.5640G>A (p.Thr1880=)

Gene: ATM (ATM serine/threonine kinase; plus strand). Cytogenetic location: 11q22.3.
Variant type: single nucleotide variant.
Coding change: c.5640G>A on transcript NM_000051.4 (MANE Select); coding-DNA position 5640, G replaced by A.
Protein change: p.Thr1880=; no amino-acid change (threonine 1880 retained).
Molecular consequence: synonymous variant.
Genome position (GRCh38, 1-based): chr11:108,304,818, G>A. VCF-style: chr11-108304818-G-A. GRCh37 (hg19) VCF-style: chr11-108175545-G-A.
Other names: c.5640G>A, p.Thr1880= (NM_001351834.2).
Identifiers: ClinVar variation 414529 (VCV000414529.17), dbSNP rs757103582, ClinGen allele CA6265747.